The following is an entry in ClinVar:

NM_006736.6(DNAJB2):c.629A>G (p.Asp210Gly)

Gene: DNAJB2 (DnaJ heat shock protein family (Hsp40) member B2; plus strand). Cytogenetic location: 2q35.
Variant type: single nucleotide variant.
Coding change: c.629A>G on transcript NM_006736.6 (MANE Select); coding-DNA position 629, A replaced by G.
Protein change: p.Asp210Gly; replaces aspartic acid 210 with glycine.
Molecular consequence: missense variant.
Genome position (GRCh38, 1-based): chr2:219,284,641, A>G. VCF-style: chr2-219284641-A-G. GRCh37 (hg19) VCF-style: chr2-220149363-A-G.
Other names: c.629A>G, p.Asp210Gly (NM_001039550.2); short protein forms D210G.
Identifiers: ClinVar variation 1752682 (VCV001752682.2), dbSNP rs1237929873, ClinGen allele CA350651352.

ClinVar aggregate classification (germline): Uncertain significance (1 of 4 stars; one submission).

Conditions:
Inborn genetic diseases. Identifiers: MedGen C0950123, MeSH D030342.

Submission:

Ambry Genetics
Classification: Uncertain significance for Inborn genetic diseases. Last evaluated: 2021-06-08. Review status: criteria provided, single submitter. Criteria: Ambry Variant Classification Scheme 2023. Collection method: clinical testing. Allele origin: germline.
Comment: The p.D210G variant (also known as c.629A>G), located in coding exon 8 of the DNAJB2 gene, results from an A to G substitution at nucleotide position 629. The aspartic acid at codon 210 is replaced by glycine, an amino acid with similar properties. This amino acid position is highly conserved in available vertebrate species. In addition, the in silico prediction for this alteration is inconclusive. Since supporting evidence is limited at this time, the clinical significance of this alteration remains unclear.